The following is an entry in ClinVar:

ClinVar aggregate classification (germline): Pathogenic (1 of 4 stars; one submission).

Submission:

GeneDx
Classification: Pathogenic. Last evaluated: 2023-02-13. Review status: criteria provided, single submitter. Criteria: GeneDx Variant Classification Process June 2021. Collection method: clinical testing. Allele origin: germline. Affected: yes.
Comment: Nonsense variant predicted to result in protein truncation or nonsense mediated decay in a gene for which loss of function is a known mechanism of disease; Not observed at significant frequency in large population cohorts (gnomAD); This variant is associated with the following publications: (PMID: 25525159, 17582161)

NM_001009944.3(PKD1):c.2622C>A (p.Cys874Ter)

Gene: PKD1 (polycystin 1, transient receptor potential channel interacting; minus strand). Cytogenetic location: 16p13.3.
Variant type: single nucleotide variant.
Coding change: c.2622C>A on transcript NM_001009944.3 (MANE Select); coding-DNA position 2622, C replaced by A.
Protein change: p.Cys874Ter; replaces cysteine 874 with a stop codon.
Molecular consequence: nonsense.
Genome position (GRCh38, 1-based): chr16:2,114,401, G>T on the plus strand (C>A on the coding strand, the complement: PKD1 is on the minus strand). VCF-style: chr16-2114401-G-T. GRCh37 (hg19) VCF-style: chr16-2164402-G-T.
Other names: c.2622C>A, p.Cys874Ter (NM_000296.4); short protein forms C874*.
Identifiers: ClinVar variation 2575812 (VCV002575812.1), dbSNP rs2544852828, ClinGen allele CA394387301.